The following is an entry in ClinVar:

NM_006306.4(SMC1A):c.2657A>G (p.Asp886Gly)

Gene: SMC1A (structural maintenance of chromosomes 1A; minus strand). Cytogenetic location: Xp11.22.
Variant type: single nucleotide variant.
Coding change: c.2657A>G on transcript NM_006306.4 (MANE Select); coding-DNA position 2657, A replaced by G.
Protein change: p.Asp886Gly; replaces aspartic acid 886 with glycine.
Molecular consequence: missense variant.
Genome position (GRCh38, 1-based): chrX:53,396,523, T>C on the plus strand (A>G on the coding strand, the complement: SMC1A is on the minus strand). VCF-style: chrX-53396523-T-C. GRCh37 (hg19) VCF-style: chrX-53423443-T-C.
Other names: c.2591A>G, p.Asp864Gly (NM_001281463.1); short protein forms D886G, D864G.
Identifiers: ClinVar variation 4743660 (VCV004743660.1).

ClinVar aggregate classification (germline): Uncertain significance (1 of 4 stars; one submission).

Conditions:
Congenital muscular hypertrophy-cerebral syndrome (CDLS2). Also called: SMC1A-Related Cornelia de Lange Syndrome; Cornelia de Lange syndrome 2. Identifiers: Orphanet 199, MedGen C1802395, MONDO:0010370, OMIM 300590.

Submission:

Labcorp Genetics (formerly Invitae), Labcorp
Classification: Uncertain significance for Congenital muscular hypertrophy-cerebral syndrome. Last evaluated: 2025-05-07. Review status: criteria provided, single submitter. Criteria: Invitae Variant Classification Sherloc (09022015). Collection method: clinical testing. Allele origin: germline.
Comment: This sequence change replaces aspartic acid, which is acidic and polar, with glycine, which is neutral and non-polar, at codon 886 of the SMC1A protein (p.Asp886Gly). This variant is not present in population databases (gnomAD no frequency). This variant has not been reported in the literature in individuals affected with SMC1A-related conditions. Invitae Evidence Modeling of protein sequence and biophysical properties (such as structural, functional, and spatial information, amino acid conservation, physicochemical variation, residue mobility, and thermodynamic stability) indicates that this missense variant is not expected to disrupt SMC1A protein function with a negative predictive value of 80%. In summary, the available evidence is currently insufficient to determine the role of this variant in disease. Therefore, it has been classified as a Variant of Uncertain Significance.